The following is an entry in ClinVar:

ClinVar aggregate classification (germline): Uncertain significance. Review status: criteria provided, multiple submitters, no conflicts (2 of 4 stars). 3 submissions from 3 submitters: Uncertain significance (3). Last evaluated 2025-01-15.

Conditions:
Microphthalmia, isolated, with coloboma 6 (MCOPCB6). Also called: MICROPHTHALMIA/COLOBOMA 6; Microphthalmia with coloboma 6, digenic; Microphthalmia with coloboma 6. Identifiers: Orphanet 98938, MedGen C3150968, MONDO:0013376, OMIM 613703.
Multiple synostoses syndrome 4. Identifiers: MedGen C4693531, MONDO:0054752, OMIM 617898.
Klippel-Feil syndrome 1, autosomal dominant (KFS1). Also called: CERVICAL VERTEBRAL FUSION, AUTOSOMAL DOMINANT. Identifiers: Orphanet 2345, MedGen C1861689, MONDO:0007306, OMIM 118100.
Leber congenital amaurosis 17 (LCA17). Identifiers: Orphanet 65, MedGen C3715164, MONDO:0014145, OMIM 615360.
Isolated microphthalmia 4. Identifiers: Orphanet 2542, MedGen C2751307, MONDO:0013130, OMIM 613094.
Inborn genetic diseases. Identifiers: MedGen C0950123, MeSH D030342.

Allele frequency attached by ClinVar (database versions not stated): gnomAD exomes below 0.00001; gnomAD 0.00001; TOPMed 0.00001.
gnomAD v4.1: 5 of 1,597,804 alleles (0.00031%); highest among the groups gnomAD compares: Non-Finnish European, 0.00042%; no homozygotes.

Submissions (3):

Ambry Genetics
Classification: Uncertain significance for Inborn genetic diseases. Last evaluated: 2025-01-15. Review status: criteria provided, single submitter. Criteria: Ambry Variant Classification Scheme 2023. Collection method: clinical testing. Allele origin: germline.

Labcorp Genetics (formerly Invitae), Labcorp
Classification: Uncertain significance for Isolated microphthalmia 4; Leber congenital amaurosis 17; Klippel-Feil syndrome 1, autosomal dominant; Microphthalmia, isolated, with coloboma 6. Last evaluated: 2025-01-01. Review status: criteria provided, single submitter. Criteria: Invitae Variant Classification Sherloc (09022015). Collection method: clinical testing. Allele origin: germline.
Comment: This sequence change replaces serine, which is neutral and polar, with leucine, which is neutral and non-polar, at codon 139 of the GDF6 protein (p.Ser139Leu). This variant is not present in population databases (gnomAD no frequency). This variant has not been reported in the literature in individuals affected with GDF6-related conditions. ClinVar contains an entry for this variant (Variation ID: 1357180). An algorithm developed to predict the effect of missense changes on protein structure and function (PolyPhen-2) suggests that this variant is likely to be tolerated. In summary, the available evidence is currently insufficient to determine the role of this variant in disease. Therefore, it has been classified as a Variant of Uncertain Significance.

Department of Pathology and Laboratory Medicine, Sinai Health System
Classification: Uncertain significance for Klippel-Feil syndrome 1, autosomal dominant; Isolated microphthalmia 4; Microphthalmia, isolated, with coloboma 6; Leber congenital amaurosis 17; Multiple synostoses syndrome 4. Last evaluated: 2022-03-03. Review status: criteria provided, single submitter. Criteria: ACMG Guidelines, 2015. Collection method: research. Allele origin: germline.

NM_001001557.4(GDF6):c.416C>T (p.Ser139Leu)

Gene: GDF6 (growth differentiation factor 6; minus strand). Cytogenetic location: 8q22.1.
Variant type: single nucleotide variant.
Coding change: c.416C>T on transcript NM_001001557.4 (MANE Select); coding-DNA position 416, C replaced by T.
Protein change: p.Ser139Leu; replaces serine 139 with leucine.
Molecular consequence: missense variant.
Genome position (GRCh38, 1-based): chr8:96,145,515, G>A on the plus strand (C>T on the coding strand, the complement: GDF6 is on the minus strand). VCF-style: chr8-96145515-G-A. GRCh37 (hg19) VCF-style: chr8-97157743-G-A.
Other names: c.416C>T (NM_001001557.2); short protein forms S139L.
Identifiers: ClinVar variation 1357180 (VCV001357180.9), dbSNP rs1812463539, ClinGen allele CA371752980.